The following is an entry in ClinVar:

ClinVar aggregate classification (germline): Uncertain significance. Review status: criteria provided, multiple submitters, no conflicts (2 of 4 stars). 3 submissions from 3 submitters: Uncertain significance (3). Last evaluated 2026-01-12.

Conditions:
Cardiovascular phenotype. Identifiers: MedGen CN230736.
Dilated cardiomyopathy 1J (CMD1J). Also called: CARDIOMYOPATHY, DILATED, WITH SENSORINEURAL HEARING LOSS, AUTOSOMAL DOMINANT. Identifiers: Orphanet 217622, MedGen C1854368, MONDO:0011541, OMIM 605362.

Allele frequency attached by ClinVar (database versions not stated): gnomAD exomes below 0.00001 and 0.00001; gnomAD 0.00001 and 0.00002; TOPMed 0.00005.
gnomAD v4.1: 10 of 1,613,232 alleles (0.00062%); highest among the groups gnomAD compares: African/African-American, 0.0067%; no homozygotes.

Submissions (3):

Labcorp Genetics (formerly Invitae), Labcorp
Classification: Uncertain significance for Dilated cardiomyopathy 1J. Last evaluated: 2026-01-12. Review status: criteria provided, single submitter. Criteria: Invitae Variant Classification Sherloc (09022015). Collection method: clinical testing. Allele origin: germline.
Comment: This sequence change replaces methionine, which is neutral and non-polar, with valine, which is neutral and non-polar, at codon 73 of the EYA4 protein (p.Met73Val). This variant is present in population databases (no rsID available, gnomAD 0.006%). This variant has not been reported in the literature in individuals affected with EYA4-related conditions. ClinVar contains an entry for this variant (Variation ID: 1424443). An algorithm developed to predict the effect of missense changes on protein structure and function (PolyPhen-2) suggests that this variant is likely to be tolerated. In summary, the available evidence is currently insufficient to determine the role of this variant in disease. Therefore, it has been classified as a Variant of Uncertain Significance.

Ambry Genetics
Classification: Uncertain significance for Cardiovascular phenotype. Last evaluated: 2024-09-17. Review status: criteria provided, single submitter. Criteria: Ambry Variant Classification Scheme 2023. Collection method: clinical testing. Allele origin: germline.
Comment: The p.M73V variant (also known as c.217A>G), located in coding exon 4 of the EYA4 gene, results from an A to G substitution at nucleotide position 217. The methionine at codon 73 is replaced by valine, an amino acid with highly similar properties. This amino acid position is well conserved in available vertebrate species. In addition, this alteration is predicted to be deleterious by in silico analysis. Since supporting evidence is limited at this time, the clinical significance of this alteration remains unclear.

GeneDx
Classification: Uncertain significance. Last evaluated: 2023-10-03. Review status: criteria provided, single submitter. Criteria: GeneDx Variant Classification Process June 2021. Collection method: clinical testing. Allele origin: germline. Affected: yes.
Comment: Has not been previously published as pathogenic or benign to our knowledge; Not observed at significant frequency in large population cohorts (gnomAD); In silico analysis supports that this missense variant does not alter protein structure/function

NM_004100.5(EYA4):c.217A>G (p.Met73Val)

Gene: EYA4 (EYA transcriptional coactivator and phosphatase 4; plus strand). Cytogenetic location: 6q23.2.
Variant type: single nucleotide variant.
Coding change: c.217A>G on transcript NM_004100.5 (MANE Select); coding-DNA position 217, A replaced by G.
Protein change: p.Met73Val; replaces methionine 73 with valine.
Molecular consequence: missense variant. On other transcripts: intron variant (4).
Genome position (GRCh38, 1-based): chr6:133,448,119, A>G. VCF-style: chr6-133448119-A-G. GRCh37 (hg19) VCF-style: chr6-133769257-A-G.
Other names: c.217A>G, p.Met73Val (NM_001301013.2, NM_172105.4); c.208+1365A>G (NM_001370458.1, NM_172103.4, NM_001370459.1 and 1 more transcripts); short protein forms M73V.
Identifiers: ClinVar variation 1424443 (VCV001424443.12), dbSNP rs970732881, ClinGen allele CA148398911.